The following is an entry in ClinVar:

NM_006659.4(TUBGCP2):c.1896-36G>A

Gene: TUBGCP2 (tubulin gamma complex component 2; minus strand). Cytogenetic location: 10q26.3.
Variant type: single nucleotide variant.
Coding change: c.1896-36G>A on transcript NM_006659.4 (MANE Select); 36 bases into the intron before coding-DNA position 1896, G replaced by A.
Molecular consequence: intron variant.
Genome position (GRCh38, 1-based): chr10:133,285,249, C>T on the plus strand (G>A on the coding strand, the complement: TUBGCP2 is on the minus strand). VCF-style: chr10-133285249-C-T. GRCh37 (hg19) VCF-style: chr10-135098753-C-T.
Other names: c.1506-36G>A (NM_001256618.2); c.1980-36G>A (NM_001256617.2).
Identifiers: ClinVar variation 2641011 (VCV002641011.24), dbSNP rs377558241, ClinGen allele CA5763764.
Genomic context (GRCh38, chr10:133,285,249, plus strand): 5'-CATCTGGTAGCGAGTGAGGGCTTTCCTGCAAGAGACGTGGCGGCACCTCAGGTGGGCCTC[C>T]GTGACCGGCGGCGTCGTGGACACGGCGTCTGTACTCCACAGTCCGCACCGTGGCCCCCGG-3'

ClinVar aggregate classification (germline): Likely benign (1 of 4 stars; one submission).

Allele frequency attached by ClinVar (database versions not stated): gnomAD 0.00014; ESP Exome Variant Server 0.00015; gnomAD exomes 0.00017; TOPMed 0.00022; ExAC 0.00024.

Submission:

CeGaT Center for Human Genetics Tuebingen
Classification: Likely benign. Last evaluated: 2023-09-01. Review status: criteria provided, single submitter. Criteria: CeGaT Center For Human Genetics Tuebingen Variant Classification Criteria Version 2. Collection method: clinical testing. Allele origin: germline. Affected: yes. Observed: 1 variant allele.
Comment: TUBGCP2: BP4, BP7